The following is an entry in ClinVar:

ClinVar aggregate classification (germline): Uncertain significance. Review status: criteria provided, multiple submitters, no conflicts (2 of 4 stars). 3 submissions from 3 submitters: Uncertain significance (3). Last evaluated 2026-02-25.

Conditions:
Progressive familial heart block type IB (PFHB1B). Identifiers: Orphanet 871, MedGen C1970298, MONDO:0011474, OMIM 604559.
Cardiovascular phenotype. Identifiers: MedGen CN230736.

Allele frequency attached by ClinVar (database versions not stated): gnomAD exomes below 0.00001; gnomAD 0.00001; TOPMed 0.00002; ESP Exome Variant Server 0.00008.
gnomAD v4.1: 3 of 1,606,042 alleles (0.00019%); highest among the groups gnomAD compares: African/African-American, 0.0027%; no homozygotes.

Submissions (3):

GeneDx
Classification: Uncertain significance. Last evaluated: 2026-02-25. Review status: criteria provided, single submitter. Criteria: GeneDx Variant Classification Process June 2021. Collection method: clinical testing. Allele origin: germline.
Comment: Not observed at significant frequency in large population cohorts (gnomAD); In silico analysis supports that this missense variant has a deleterious effect on protein structure/function; Has not been previously published as pathogenic or benign to our knowledge

Labcorp Genetics (formerly Invitae), Labcorp
Classification: Uncertain significance for Progressive familial heart block type IB. Last evaluated: 2025-09-25. Review status: criteria provided, single submitter. Criteria: Invitae Variant Classification Sherloc (09022015). Collection method: clinical testing. Allele origin: germline.
Comment: This sequence change replaces serine, which is neutral and polar, with phenylalanine, which is neutral and non-polar, at codon 255 of the TRPM4 protein (p.Ser255Phe). This variant is present in population databases (rs371904942, gnomAD 0.003%). This variant has not been reported in the literature in individuals affected with TRPM4-related conditions. ClinVar contains an entry for this variant (Variation ID: 2563501). An algorithm developed to predict the effect of missense changes on protein structure and function (PolyPhen-2) suggests that this variant is likely to be tolerated. In summary, the available evidence is currently insufficient to determine the role of this variant in disease. Therefore, it has been classified as a Variant of Uncertain Significance.

Ambry Genetics
Classification: Uncertain significance for Cardiovascular phenotype. Last evaluated: 2023-04-14. Review status: criteria provided, single submitter. Criteria: Ambry Variant Classification Scheme 2023. Collection method: clinical testing. Allele origin: germline.
Comment: The p.S255F variant (also known as c.764C>T), located in coding exon 6 of the TRPM4 gene, results from a C to T substitution at nucleotide position 764. The serine at codon 255 is replaced by phenylalanine, an amino acid with highly dissimilar properties. This amino acid position is conserved. In addition, this alteration is predicted to be tolerated by in silico analysis. Since supporting evidence is limited at this time, the clinical significance of this alteration remains unclear.

NM_017636.4(TRPM4):c.764C>T (p.Ser255Phe)

Gene: TRPM4 (transient receptor potential cation channel subfamily M member 4; plus strand). Cytogenetic location: 19q13.33.
Variant type: single nucleotide variant.
Coding change: c.764C>T on transcript NM_017636.4 (MANE Select); coding-DNA position 764, C replaced by T.
Protein change: p.Ser255Phe; replaces serine 255 with phenylalanine.
Molecular consequence: missense variant. On other transcripts: 5 prime UTR variant (2).
Genome position (GRCh38, 1-based): chr19:49,168,704, C>T. VCF-style: chr19-49168704-C-T. GRCh37 (hg19) VCF-style: chr19-49671961-C-T.
Other names: c.764C>T, p.Ser255Phe (NM_001195227.2); c.419C>T, p.Ser140Phe (NM_001321281.2); c.-790C>T (NM_001321282.2); c.242C>T, p.Ser81Phe (NM_001321283.2); c.-86C>T (NM_001321285.2); short protein forms S255F, S81F, S140F.
Identifiers: ClinVar variation 2563501 (VCV002563501.5), dbSNP rs371904942, ClinGen allele CA309431639.